The following is an entry in ClinVar:

NM_000487.6(ARSA):c.1149C>A (p.Asp383Glu)

Gene: ARSA (arylsulfatase A; minus strand). Cytogenetic location: 22q13.33.
Variant type: single nucleotide variant.
Coding change: c.1149C>A on transcript NM_000487.6 (MANE Select); coding-DNA position 1149, C replaced by A.
Protein change: p.Asp383Glu; replaces aspartic acid 383 with glutamic acid.
Molecular consequence: missense variant.
Genome position (GRCh38, 1-based): chr22:50,625,640, G>T on the plus strand (C>A on the coding strand, the complement: ARSA is on the minus strand). VCF-style: chr22-50625640-G-T. GRCh37 (hg19) VCF-style: chr22-51064068-G-T.
Other names: c.1149C>A, p.Asp383Glu (NM_001085425.3, NM_001085426.3, NM_001085427.3); c.891C>A, p.Asp297Glu (NM_001085428.3, NM_001362782.2); short protein forms D297E, D383E.
Identifiers: ClinVar variation 2143020 (VCV002143020.3), dbSNP rs6151425, ClinGen allele CA325531262.
Genomic context (GRCh38, chr22:50,625,640, plus strand): 5'-CTGGGTGAAGAAGTGAGCCTTGTACTTTCCAGTCCGCACAGCAAAAACCCCACGGACCTC[G>T]TCTGGGTAGGACGGGTAGAAGAAGAGAGACTGCCGAGGGCTCTGGGGGCAGAGTCAGGGG-3'
Protein context (NP_000478.3, residues 373-393): QSLFFYPSYP[Asp383Glu]EVRGVFAVRT

ClinVar aggregate classification (germline): Uncertain significance (1 of 4 stars; one submission).

Conditions:
Metachromatic leukodystrophy (MLD). Also called: METACHROMATIC LEUKOENCEPHALOPATHY; Arylsulfatase A Deficiency; SULFATIDE LIPIDOSIS; ARSA DEFICIENCY; CEREBROSIDE SULFATASE DEFICIENCY; Cerebral sclerosis diffuse metachromatic form. Identifiers: Orphanet 512, MedGen C0023522, MONDO:0018868, OMIM 250100.

Submission:

Labcorp Genetics (formerly Invitae), Labcorp
Classification: Uncertain significance for Metachromatic leukodystrophy. Last evaluated: 2024-10-17. Review status: criteria provided, single submitter. Criteria: Invitae Variant Classification Sherloc (09022015). Collection method: clinical testing. Allele origin: germline.
Comment: This sequence change replaces aspartic acid, which is acidic and polar, with glutamic acid, which is acidic and polar, at codon 383 of the ARSA protein (p.Asp383Glu). This variant is not present in population databases (gnomAD no frequency). This variant has not been reported in the literature in individuals affected with ARSA-related conditions. ClinVar contains an entry for this variant (Variation ID: 2143020). Invitae Evidence Modeling of protein sequence and biophysical properties (such as structural, functional, and spatial information, amino acid conservation, physicochemical variation, residue mobility, and thermodynamic stability) indicates that this missense variant is not expected to disrupt ARSA protein function with a negative predictive value of 95%. In summary, the available evidence is currently insufficient to determine the role of this variant in disease. Therefore, it has been classified as a Variant of Uncertain Significance.